The following is an entry in ClinVar:

ClinVar aggregate classification (germline): Uncertain significance (1 of 4 stars; one submission).

Conditions:
Hereditary pancreatitis (PCTT). Also called: Hereditary chronic pancreatitis; PRSS1-Related Hereditary Pancreatitis. Identifiers: Orphanet 676, MedGen C0238339, MONDO:0008185, OMIM 167800.

gnomAD v4.1: 4 of 1,613,996 alleles (0.00025%); highest among the groups gnomAD compares: Non-Finnish European, 0.00034%; no homozygotes.

Submission:

Labcorp Genetics (formerly Invitae), Labcorp
Classification: Uncertain significance for Hereditary pancreatitis. Last evaluated: 2025-09-09. Review status: criteria provided, single submitter. Criteria: Invitae Variant Classification Sherloc (09022015). Collection method: clinical testing. Allele origin: germline.
Comment: This sequence change replaces aspartic acid, which is acidic and polar, with glycine, which is neutral and non-polar, at codon 162 of the PRSS1 protein (p.Asp162Gly). This variant is not present in population databases (gnomAD no frequency). This variant has not been reported in the literature in individuals affected with PRSS1-related conditions. Invitae Evidence Modeling of protein sequence and biophysical properties (such as structural, functional, and spatial information, amino acid conservation, physicochemical variation, residue mobility, and thermodynamic stability) indicates that this missense variant is not expected to disrupt PRSS1 protein function with a negative predictive value of 80%. In summary, the available evidence is currently insufficient to determine the role of this variant in disease. Therefore, it has been classified as a Variant of Uncertain Significance.

NM_002769.5(PRSS1):c.485A>G (p.Asp162Gly)

Genes: TRB (T cell receptor beta locus; plus strand), PRSS1 (serine protease 1; plus strand). Cytogenetic location: 7q34.
Variant type: single nucleotide variant.
Coding change: c.485A>G on transcript NM_002769.5 (MANE Select); coding-DNA position 485, A replaced by G.
Protein change: p.Asp162Gly; replaces aspartic acid 162 with glycine.
Molecular consequence: missense variant. On other transcripts: non-coding transcript variant (5).
Genome position (GRCh38, 1-based): chr7:142,752,461, A>G. VCF-style: chr7-142752461-A-G. GRCh37 (hg19) VCF-style: chr7-142460312-A-G.
Other names: short protein forms D162G.
Identifiers: ClinVar variation 4741893 (VCV004741893.1).